The following is an entry in ClinVar:

ClinVar aggregate classification (germline): Uncertain significance (1 of 4 stars; one submission).

Submission:

Labcorp Genetics (formerly Invitae), Labcorp
Classification: Uncertain significance. Last evaluated: 2025-04-14. Review status: criteria provided, single submitter. Criteria: Invitae Variant Classification Sherloc (09022015). Collection method: clinical testing. Allele origin: germline.
Comment: This sequence change replaces leucine, which is neutral and non-polar, with arginine, which is basic and polar, at codon 174 of the CFD protein (p.Leu174Arg). This variant is not present in population databases (gnomAD no frequency). This variant has not been reported in the literature in individuals affected with CFD-related conditions. ClinVar contains an entry for this variant (Variation ID: 1977098). An algorithm developed to predict the effect of missense changes on protein structure and function (PolyPhen-2) suggests that this variant is likely to be disruptive. In summary, the available evidence is currently insufficient to determine the role of this variant in disease. Therefore, it has been classified as a Variant of Uncertain Significance.

NM_001928.4(CFD):c.521T>G (p.Leu174Arg)

Gene: CFD (complement factor D; plus strand). Cytogenetic location: 19p13.3.
Variant type: single nucleotide variant.
Coding change: c.521T>G on transcript NM_001928.4 (MANE Select); coding-DNA position 521, T replaced by G.
Protein change: p.Leu174Arg; replaces leucine 174 with arginine.
Molecular consequence: missense variant.
Genome position (GRCh38, 1-based): chr19:861,862, T>G. VCF-style: chr19-861862-T-G. GRCh37 (hg19) VCF-style: chr19-861862-T-G.
Other names: c.542T>G, p.Leu181Arg (NM_001317335.2); short protein forms L174R, L181R.
Identifiers: ClinVar variation 1977098 (VCV001977098.5), dbSNP rs2512178407, ClinGen allele CA402922868.